The following is an entry in ClinVar:

ClinVar aggregate classification (germline): Uncertain significance (1 of 4 stars; one submission).

Conditions:
Cataract 1 multiple types. Also called: CATARACT 1, NUCLEAR PROGRESSIVE; CATARACT 1 WITH MICROCORNEA; CATARACT 1, MULTIPLE TYPES, WITH OR WITHOUT MICROCORNEA; CATARACT, DUFFY-LINKED; CATARACT 1, POSTERIOR SUBCAPSULAR, WITH MICROCORNEA; CATARACT 1, STELLATE NUCLEAR, WITH MICROCORNEA. Identifiers: Orphanet 1377, MedGen C1861828, MONDO:0007285, OMIM 116200.

Allele frequency attached by ClinVar (database versions not stated): gnomAD exomes below 0.00001; TOPMed below 0.00001; gnomAD 0.00001.

Submission:

Labcorp Genetics (formerly Invitae), Labcorp
Classification: Uncertain significance for Cataract 1 multiple types. Last evaluated: 2020-03-18. Review status: criteria provided, single submitter. Criteria: Invitae Variant Classification Sherloc (09022015). Collection method: clinical testing. Allele origin: germline.
Comment: This sequence change replaces proline with leucine at codon 187 of the GJA8 protein (p.Pro187Leu). The proline residue is highly conserved and there is a moderate physicochemical difference between proline and leucine. This variant is not present in population databases (ExAC no frequency). This variant has not been reported in the literature in individuals with GJA8-related conditions. Algorithms developed to predict the effect of missense changes on protein structure and function (SIFT, PolyPhen-2, Align-GVGD) all suggest that this variant is likely to be disruptive, but these predictions have not been confirmed by published functional studies and their clinical significance is uncertain. In summary, the available evidence is currently insufficient to determine the role of this variant in disease. Therefore, it has been classified as a Variant of Uncertain Significance.

NM_005267.5(GJA8):c.560C>T (p.Pro187Leu)

Gene: GJA8 (gap junction protein alpha 8; plus strand). Cytogenetic location: 1q21.2.
Variant type: single nucleotide variant.
Coding change: c.560C>T on transcript NM_005267.5 (MANE Select); coding-DNA position 560, C replaced by T.
Protein change: p.Pro187Leu; replaces proline 187 with leucine.
Molecular consequence: missense variant.
Genome position (GRCh38, 1-based): chr1:147,908,515, C>T. VCF-style: chr1-147908515-C-T. GRCh37 (hg19) VCF-style: chr1-147380642-C-T.
Other names: short protein forms P187L.
Identifiers: ClinVar variation 1062592 (VCV001062592.9), dbSNP rs1368547478, ClinGen allele CA342224865.